The following is an entry in ClinVar:

NM_000465.4(BARD1):c.1751_1756dup (p.Met584_Leu585dup)

Gene: BARD1 (BRCA1 associated RING domain 1; minus strand). Cytogenetic location: 2q35.
Variant type: Duplication.
Coding change: c.1751_1756dup on transcript NM_000465.4 (MANE Select); coding-DNA positions 1751 to 1756, 6 bases duplicated (TGCTCA; older notation c.1751_1756dupTGCTCA).
Protein change: p.Met584_Leu585dup.
Molecular consequence: inframe insertion. On other transcripts: non-coding transcript variant (3), intron variant (1).
Genome position (GRCh38, 1-based): chr2:214,745,776-214,745,781, TGAGCA duplicated on the plus strand (TGCTCA on the coding strand, the reverse complement: BARD1 is on the minus strand); duplicating any 6 consecutive bases within chr2:214,745,776-214,745,782 gives the same sequence; the c. name uses the placement nearest the transcript's 3' end. VCF-style (leftmost placement, unchanged base first): chr2-214745775-C-CTGAGCA. GRCh37 (hg19) VCF-style: chr2-215610499-C-CTGAGCA.
Other names: c.365-15273_365-15268dup (NM_001282549.2); c.1694_1699dup, p.Met565_Leu566dup (NM_001282543.2); c.398_403dup, p.Met133_Leu134dup (NM_001282545.2); c.341_346dup, p.Met114_Leu115dup (NM_001282548.2); c.1751_1756dupTGCTCA (NM_000465.2); c.1751_1756dup (NM_000465.2).
Identifiers: ClinVar variation 220357 (VCV000220357.17), dbSNP rs763622701, ClinGen allele CA348910.

ClinVar aggregate classification (germline): Uncertain significance. Review status: criteria provided, multiple submitters, no conflicts (2 of 4 stars). 5 submissions from 5 submitters: Uncertain significance (4). 1 of the submissions does not count toward it. Last evaluated 2025-11-10.

Conditions:
Hereditary cancer-predisposing syndrome. Also called: Hereditary neoplastic syndrome; Tumor predisposition; Hereditary Cancer Syndrome; Neoplastic Syndromes, Hereditary. Identifiers: Orphanet 140162, MedGen C0027672, MeSH D009386, MONDO:0015356.
Familial cancer of breast. Also called: hereditary breast carcinoma; Hereditary breast cancer; BREAST CANCER, FAMILIAL. Identifiers: Orphanet 227535, MedGen C0346153, MONDO:0016419, OMIM 114480. Disease mechanism: loss of function.

Submissions (5):

Labcorp Genetics (formerly Invitae), Labcorp
Classification: Uncertain significance for Familial cancer of breast. Last evaluated: 2025-11-10. Review status: criteria provided, single submitter. Criteria: Invitae Variant Classification Sherloc (09022015). Collection method: clinical testing. Allele origin: germline.
Comment: This variant, c.1751_1756dup, results in the insertion of 2 amino acid(s) of the BARD1 protein (p.Met584_Leu585dup), but otherwise preserves the integrity of the reading frame. This variant is present in population databases (rs763622701, gnomAD 0.002%). This variant has not been reported in the literature in individuals affected with BARD1-related conditions. ClinVar contains an entry for this variant (Variation ID: 220357). Experimental studies and prediction algorithms are not available or were not evaluated, and the functional significance of this variant is currently unknown. In summary, the available evidence is currently insufficient to determine the role of this variant in disease. Therefore, it has been classified as a Variant of Uncertain Significance.

Ambry Genetics
Classification: Uncertain significance for Hereditary cancer-predisposing syndrome. Last evaluated: 2024-06-17. Review status: criteria provided, single submitter. Criteria: Ambry Variant Classification Scheme 2023. Collection method: clinical testing. Allele origin: germline.
Comment: The c.1751_1756dupTGCTCA variant (also known as p.M584_L585dup), located in coding exon 8 of the BARD1 gene, results from an in-frame duplication of TGCTCA at nucleotide positions 1751 to 1756. This results in the duplication of 2 extra residues (ML) between codons 584 and 585. The duplicated amino acid positions are well conserved in available vertebrate species. In addition, this alteration is predicted to be deleterious by in silico analysis (Choi Y et al. PLoS ONE. 2012; 7(10):e46688). Since supporting evidence is limited at this time, the clinical significance of this alteration remains unclear.

GeneDx
Classification: Uncertain significance. Last evaluated: 2024-05-03. Review status: criteria provided, single submitter. Criteria: GeneDx Variant Classification Process June 2021. Collection method: clinical testing. Allele origin: germline. Affected: yes.
Comment: Not observed at significant frequency in large population cohorts (gnomAD); In-frame insertion of 2 amino acids in a non-repeat region; In silico analysis indicates that this variant does not alter protein structure/function; Observed in an individual with a personal and family history of breast cancer who also had a likely pathogenic variant in CHEK2 (PMID: 34326862); This variant is associated with the following publications: (PMID: 34326862, 17550235)

Myriad Genetics, Inc.
Classification: Uncertain significance for Familial cancer of breast. Last evaluated: 2023-02-24. Review status: criteria provided, single submitter. Criteria: Myriad Autosomal Dominant, Autosomal Recessive and X-Linked Classification Criteria (2023). Collection method: clinical testing. Allele origin: unknown.
Comment: This variant is classified as a variant of uncertain significance as there is insufficient evidence to determine its impact on protein function and/or cancer risk.

Counsyl
Classification: Uncertain significance for Familial cancer of breast. Last evaluated: 2016-10-05. Review status: no assertion criteria provided. Collection method: clinical testing. Allele origin: unknown. Not counted in ClinVar's aggregate classification.